The following is an entry in ClinVar:

NM_001277115.2(DNAH11):c.9436del (p.Glu3146fs)

Gene: DNAH11 (dynein axonemal heavy chain 11; plus strand). Cytogenetic location: 7p15.3.
Variant type: Deletion.
Coding change: c.9436del on transcript NM_001277115.2 (MANE Select); coding-DNA position 9436, one base deleted (G; older notation c.9436delG).
Protein change: p.Glu3146fs; shifts the reading frame from glutamic acid 3146.
Molecular consequence: frameshift variant.
Genome position (GRCh38, 1-based): chr7:21,779,057, G deleted; the last of 2 consecutive G bases (chr7:21,779,056-21,779,057); deleting either gives the same sequence. VCF-style (leftmost placement, unchanged base first): chr7-21779055-CG-C. GRCh37 (hg19) VCF-style: chr7-21818673-CG-C.
Other names: c.9457delG, p.Glu3153Argfs (NM_003777.3); short protein forms E3146fs.
Identifiers: ClinVar variation 2853667 (VCV002853667.3), dbSNP rs2535234805, ClinGen allele CA2739266280.
Genomic context (GRCh38, chr7:21,779,055, plus strand): 5'-CCGAGCTGCAACTGAGAAATCATGATGCCGAAGCTCTGATCACAAAGATCGGCCTTCAGA[CG>C]GAGAAAGTGAGCCGGGAAAAGACCATCGCTGATGCTGAGGAGCGAAAGGTCAGGCTAATT-3'

ClinVar aggregate classification (germline): Pathogenic (1 of 4 stars; one submission).

Conditions:
Primary ciliary dyskinesia. Also called: Ciliary dyskinesia. Identifiers: Orphanet 244, MedGen C0008780, MONDO:0016575, HP:0012265.

Submission:

Labcorp Genetics (formerly Invitae), Labcorp
Classification: Pathogenic for Primary ciliary dyskinesia. Last evaluated: 2023-04-08. Review status: criteria provided, single submitter. Criteria: Invitae Variant Classification Sherloc (09022015). Collection method: clinical testing. Allele origin: germline.
Comment: For these reasons, this variant has been classified as Pathogenic. This variant has not been reported in the literature in individuals affected with DNAH11-related conditions. This variant is not present in population databases (gnomAD no frequency). This sequence change creates a premature translational stop signal (p.Glu3146Argfs*3) in the DNAH11 gene. It is expected to result in an absent or disrupted protein product. Loss-of-function variants in DNAH11 are known to be pathogenic (PMID: 18022865, 20513915, 22184204).

Literature cited by the submitters: PubMed 18022865; PubMed 20513915; PubMed 22184204.